The following is an entry in ClinVar:

NM_000059.4(BRCA2):c.419G>T (p.Ser140Ile)

Gene: BRCA2 (BRCA2 DNA repair associated; plus strand). Cytogenetic location: 13q13.1.
Variant type: single nucleotide variant.
Coding change: c.419G>T on transcript NM_000059.4 (MANE Select); coding-DNA position 419, G replaced by T.
Protein change: p.Ser140Ile; replaces serine 140 with isoleucine.
Molecular consequence: missense variant. On other transcripts: non-coding transcript variant (1).
Genome position (GRCh38, 1-based): chr13:32,325,178, G>T. VCF-style: chr13-32325178-G-T. GRCh37 (hg19) VCF-style: chr13-32899315-G-T.
Other names: c.419G>T, p.Ser140Ile (NM_001406719.1, NM_001406720.1, NM_001406721.1); c.50G>T, p.Ser17Ile (NM_001406722.1); short protein forms S17I, S140I.
Identifiers: ClinVar variation 2819269 (VCV002819269.3), dbSNP rs2137447027, ClinGen allele CA387756771.

ClinVar aggregate classification (germline): Uncertain significance (1 of 4 stars; one submission).

Conditions:
Hereditary breast ovarian cancer syndrome. Also called: Hereditary breast and ovarian cancer; BRCA1- and BRCA2-Associated Hereditary Breast and Ovarian Cancer; Hereditary breast and ovarian cancer syndrome; Breast and ovarian cancer; Hereditary breast and ovarian cancer syndrome (HBOC); Hereditary breast and/or ovarian cancer syndrome. Identifiers: Orphanet 145, MedGen C0677776, MeSH D061325, MONDO:0003582. Disease mechanism: loss of function.

Submission:

Labcorp Genetics (formerly Invitae), Labcorp
Classification: Uncertain significance for Hereditary breast ovarian cancer syndrome. Last evaluated: 2023-06-28. Review status: criteria provided, single submitter. Criteria: Invitae Variant Classification Sherloc (09022015). Collection method: clinical testing. Allele origin: germline.
Comment: This sequence change replaces serine, which is neutral and polar, with isoleucine, which is neutral and non-polar, at codon 140 of the BRCA2 protein (p.Ser140Ile). This variant is not present in population databases (gnomAD no frequency). This variant has not been reported in the literature in individuals affected with BRCA2-related conditions. Advanced modeling of protein sequence and biophysical properties (such as structural, functional, and spatial information, amino acid conservation, physicochemical variation, residue mobility, and thermodynamic stability) performed at Invitae indicates that this missense variant is not expected to disrupt BRCA2 protein function. In summary, the available evidence is currently insufficient to determine the role of this variant in disease. Therefore, it has been classified as a Variant of Uncertain Significance.